The following is an entry in ClinVar:

NM_001330700.2(TOP2B):c.4489+5G>A

Gene: TOP2B (DNA topoisomerase II beta; minus strand). Cytogenetic location: 3p24.2.
Variant type: single nucleotide variant.
Coding change: c.4489+5G>A on transcript NM_001330700.2 (MANE Select); 5 bases into the intron after coding-DNA position 4489, G replaced by A.
Molecular consequence: intron variant.
Genome position (GRCh38, 1-based): chr3:25,604,755, C>T on the plus strand (G>A on the coding strand, the complement: TOP2B is on the minus strand). VCF-style: chr3-25604755-C-T. GRCh37 (hg19) VCF-style: chr3-25646246-C-T.
Other names: c.4474+5G>A (NM_001068.3).
Identifiers: ClinVar variation 2105285 (VCV002105285.4), dbSNP rs758347808, ClinGen allele CA905638502.
Genomic context (GRCh38, chr3:25,604,755, plus strand): 5'-TTACATTTCCTTTTACATTAACTATCTCTATCCAATGCTTAACTCAATCAAATATAAGTA[C>T]ATACCCTTTTTAGCAGCTACCGTTTTACTTGGAACTTTATCTGTCTGTTTCAGACCAAAT-3'

ClinVar aggregate classification (germline): Uncertain significance (1 of 4 stars; one submission).

Allele frequency attached by ClinVar (database versions not stated): TOPMed below 0.00001.
gnomAD v4.1: 3 of 1,598,038 alleles (0.00019%); highest among the groups gnomAD compares: Non-Finnish European, 0.00026%; no homozygotes.

Submission:

Labcorp Genetics (formerly Invitae), Labcorp
Classification: Uncertain significance. Last evaluated: 2022-12-31. Review status: criteria provided, single submitter. Criteria: Invitae Variant Classification Sherloc (09022015). Collection method: clinical testing. Allele origin: germline.
Comment: This sequence change falls in intron 33 of the TOP2B gene. It does not directly change the encoded amino acid sequence of the TOP2B protein. It affects a nucleotide within the consensus splice site. This variant is not present in population databases (gnomAD no frequency). This variant has not been reported in the literature in individuals affected with TOP2B-related conditions. Variants that disrupt the consensus splice site are a relatively common cause of aberrant splicing (PMID: 17576681, 9536098). Algorithms developed to predict the effect of sequence changes on RNA splicing suggest that this variant may disrupt the consensus splice site. In summary, the available evidence is currently insufficient to determine the role of this variant in disease. Therefore, it has been classified as a Variant of Uncertain Significance.

Literature cited by the submitters: PubMed 17576681; PubMed 9536098.